The following is an entry in ClinVar:

NM_007118.4(TRIO):c.7059CTC[1] (p.Ser2355del)

Gene: TRIO (trio Rho guanine nucleotide exchange factor; plus strand). Cytogenetic location: 5p15.2.
Variant type: Microsatellite.
Coding change: c.7059CTC[1] on transcript NM_007118.4 (MANE Select); one copy of the 3-base unit CTC starting at c.7059; the reference has two copies in a row; one copy, 3 bases deleted.
Protein change: p.Ser2355del; deletes serine 2355.
Molecular consequence: inframe deletion. On other transcripts: non-coding transcript variant (1).
Genome position (GRCh38, 1-based): chr5:14,487,690-14,487,692, CTC deleted; deleting any 3 consecutive bases within chr5:14,487,687-14,487,692 gives the same sequence; the position shown is the placement nearest the transcript's 3' end. VCF-style (leftmost placement, unchanged base first): chr5-14487686-TCTC-T. GRCh37 (hg19) VCF-style: chr5-14487795-TCTC-T.
Other names: c.7062_7064delCTC (NM_007118.2); short protein forms S2355del.
Identifiers: ClinVar variation 2429228 (VCV002429228.6), dbSNP rs780727730, ClinGen allele CA3207324.

ClinVar aggregate classification (germline): Uncertain significance. Review status: criteria provided, multiple submitters, no conflicts (2 of 4 stars). 2 submissions from 2 submitters: Uncertain significance (2). Last evaluated 2023-06-13.

Conditions:
Inborn genetic diseases. Identifiers: MedGen C0950123, MeSH D030342.

Submissions (2):

Ambry Genetics
Classification: Uncertain significance for Inborn genetic diseases. Last evaluated: 2023-06-13. Review status: criteria provided, single submitter. Criteria: Ambry Variant Classification Scheme 2023. Collection method: clinical testing. Allele origin: germline.
Comment: The c.7062_7064delCTC () alteration is located in exon 48 (coding exon 48) of the TRIO gene. This alteration consists of an in-frame deletion of 3 nucleotides between nucleotide positions c.7062 and c.7064, resulting in the deletion of <NA> residues. Based on insufficient or conflicting evidence, the clinical significance of this alteration remains unclear.

Women's Health and Genetics/Laboratory Corporation of America, LabCorp
Classification: Uncertain significance. Last evaluated: 2023-01-16. Review status: criteria provided, single submitter. Criteria: LabCorp Variant Classification Summary - May 2015. Collection method: clinical testing. Allele origin: germline.
Comment: Variant summary: TRIO c.7062_7064delCTC (p.Ser2355del) results in an in-frame deletion that is predicted to remove 1 amino acid from the encoded protein. The variant allele was found at a frequency of 1.3e-05 in 155396 control chromosomes (gnomAD). The available data on variant occurrences in the general population are insufficient to allow any conclusion about variant significance. To our knowledge, no occurrence of c.7062_7064delCTC in individuals affected with TRIO-Related Intellectual Disability and no experimental evidence demonstrating its impact on protein function have been reported. No clinical diagnostic laboratories have submitted clinical-significance assessments for this variant to ClinVar after 2014. Based on the evidence outlined above, the variant was classified as uncertain significance.